The following is an entry in ClinVar:

NM_001005242.3(PKP2):c.1531T>C (p.Phe511Leu)

Gene: PKP2 (plakophilin 2; minus strand). Cytogenetic location: 12p11.21.
Variant type: single nucleotide variant.
Coding change: c.1531T>C on transcript NM_001005242.3 (MANE Select); coding-DNA position 1531, T replaced by C.
Protein change: p.Phe511Leu; replaces phenylalanine 511 with leucine.
Molecular consequence: missense variant.
Genome position (GRCh38, 1-based): chr12:32,841,053, A>G on the plus strand (T>C on the coding strand, the complement: PKP2 is on the minus strand). VCF-style: chr12-32841053-A-G. GRCh37 (hg19) VCF-style: chr12-32993987-A-G.
Other names: c.1531T>C, p.Phe511Leu (NM_001407155.1, NM_001407156.1, NM_001407161.1); c.1663T>C, p.Phe555Leu (NM_001407157.1, NM_004572.4); c.1204T>C, p.Phe402Leu (NM_001407158.1, NM_001407159.1, NM_001407160.1 and 1 more transcripts); short protein forms F402L, F511L, F555L.
Identifiers: ClinVar variation 3612946 (VCV003612946.2).

ClinVar aggregate classification (germline): Uncertain significance (1 of 4 stars; one submission).

Conditions:
Arrhythmogenic right ventricular dysplasia 9 (ARVD9). Also called: Arrhythmogenic Right Ventricular Dysplasia/Cardiomyopathy 9; ARRHYTHMOGENIC RIGHT VENTRICULAR DYSPLASIA, FAMILIAL, 9. Identifiers: MedGen C1836906, MONDO:0012180, OMIM 609040.

gnomAD v4.1: 9 of 1,613,680 alleles (0.00056%); highest among the groups gnomAD compares: Non-Finnish European, 0.00076%; no homozygotes.

Submission:

Labcorp Genetics (formerly Invitae), Labcorp
Classification: Uncertain significance for Arrhythmogenic right ventricular dysplasia 9. Last evaluated: 2024-04-01. Review status: criteria provided, single submitter. Criteria: Invitae Variant Classification Sherloc (09022015). Collection method: clinical testing. Allele origin: germline.
Comment: This sequence change replaces phenylalanine, which is neutral and non-polar, with leucine, which is neutral and non-polar, at codon 555 of the PKP2 protein (p.Phe555Leu). This variant is present in population databases (no rsID available, gnomAD 0.0009%). This variant has not been reported in the literature in individuals affected with PKP2-related conditions. An algorithm developed to predict the effect of missense changes on protein structure and function (PolyPhen-2) suggests that this variant is likely to be disruptive. In summary, the available evidence is currently insufficient to determine the role of this variant in disease. Therefore, it has been classified as a Variant of Uncertain Significance.